The following is an entry in ClinVar:

ClinVar aggregate classification (germline): Benign/Likely benign. Review status: criteria provided, multiple submitters, no conflicts (2 of 4 stars). 4 submissions from 4 submitters: Benign (2); Likely benign (2). Last evaluated 2026-02-01.

Conditions:
Joubert syndrome 17 (JBTS17). Identifiers: Orphanet 475, MedGen C3553264, MONDO:0013824, OMIM 614615.
Orofaciodigital syndrome type 6 (OFD6). Also called: OROFACIODIGITAL SYNDROME VI; OFDS VI; POLYDACTYLY, CLEFT LIP/PALATE OR LINGUAL LUMP, AND PSYCHOMOTOR RETARDATION; VARADI SYNDROME; VARADI-PAPP SYNDROME; Oral-facial-digital syndrome type 6. Identifiers: Orphanet 2754, MedGen C2745997, MONDO:0010176, OMIM 277170.

Allele frequency attached by ClinVar (database versions not stated): gnomAD 0.00031 and 0.00036; TOPMed 0.00061; gnomAD exomes 0.00093; ExAC 0.00097; 1000 Genomes Project 30x 0.00141; 1000 Genomes Project 0.00160.
gnomAD v4.1: 355 of 1,558,932 alleles (0.023%); highest among the groups gnomAD compares: East Asian, 0.72%; 2 homozygotes.

Submissions (4):

Labcorp Genetics (formerly Invitae), Labcorp
Classification: Benign. Last evaluated: 2026-02-01. Review status: criteria provided, single submitter. Criteria: Invitae Variant Classification Sherloc (09022015). Collection method: clinical testing. Allele origin: germline.

Blueprint Genetics
Classification: Likely benign. Last evaluated: 2024-11-04. Review status: criteria provided, single submitter. Criteria: ACMG Guidelines, 2015. Collection method: clinical testing. Allele origin: germline.

Fulgent Genetics
Classification: Benign for Orofaciodigital syndrome type 6; Joubert syndrome 17. Last evaluated: 2022-02-17. Review status: criteria provided, single submitter. Criteria: ACMG Guidelines, 2015. Collection method: clinical testing. Allele origin: unknown.

Illumina Laboratory Services, Illumina
Classification: Likely benign for Joubert syndrome 17. Last evaluated: 2018-01-13. Review status: criteria provided, single submitter. Criteria: ICSL Variant Classification Criteria 13 December 2019. Collection method: clinical testing. Allele origin: germline.
Comment: This variant was observed in the ICSL laboratory as part of a predisposition screen in an ostensibly healthy population. It had not been previously curated by ICSL or reported in the Human Gene Mutation Database (HGMD: prior to June 1st, 2018), and was therefore a candidate for classification through an automated scoring system. Utilizing variant allele frequency, disease prevalence and penetrance estimates, and inheritance mode, an automated score was calculated to assess if this variant is too frequent to cause the disease. Based on the score and internal cut-off values, a variant classified as likely benign is not then subjected to further curation. The score for this variant resulted in a classification of likely benign for this disease.

NM_001384732.1(CPLANE1):c.5820+7C>T

Gene: CPLANE1 (ciliogenesis and planar polarity effector complex subunit 1; minus strand). Cytogenetic location: 5p13.2.
Variant type: single nucleotide variant.
Coding change: c.5820+7C>T on transcript NM_001384732.1 (MANE Select); 7 bases into the intron after coding-DNA position 5820, C replaced by T.
Molecular consequence: intron variant.
Genome position (GRCh38, 1-based): chr5:37,179,354, G>A on the plus strand (C>T on the coding strand, the complement: CPLANE1 is on the minus strand). VCF-style: chr5-37179354-G-A. GRCh37 (hg19) VCF-style: chr5-37179456-G-A.
Other names: c.5820+7C>T (NM_023073.4).
Identifiers: ClinVar variation 772276 (VCV000772276.13), dbSNP rs185534019, ClinGen allele CA3238439.